The following is an entry in ClinVar:

NM_182961.4(SYNE1):c.12829G>A (p.Ala4277Thr)

Gene: SYNE1 (spectrin repeat containing nuclear envelope protein 1; minus strand). Cytogenetic location: 6q25.2.
Variant type: single nucleotide variant.
Coding change: c.12829G>A on transcript NM_182961.4 (MANE Select); coding-DNA position 12829, G replaced by A.
Protein change: p.Ala4277Thr; replaces alanine 4277 with threonine.
Molecular consequence: missense variant.
Genome position (GRCh38, 1-based): chr6:152,331,856, C>T on the plus strand (G>A on the coding strand, the complement: SYNE1 is on the minus strand). VCF-style: chr6-152331856-C-T. GRCh37 (hg19) VCF-style: chr6-152652991-C-T.
Other names: c.12616G>A, p.Ala4206Thr (NM_033071.5); short protein forms A4206T, A4277T.
Identifiers: ClinVar variation 579339 (VCV000579339.10), dbSNP rs200140440, ClinGen allele CA4056301.

ClinVar aggregate classification (germline): Uncertain significance. Review status: criteria provided, multiple submitters, no conflicts (2 of 4 stars). 2 submissions from 2 submitters: Uncertain significance (2). Last evaluated 2023-02-07.

Conditions:
Emery-Dreifuss muscular dystrophy 4, autosomal dominant (EDMD4). Also called: EMERY-DREIFUSS MUSCULAR DYSTROPHY 4 WITH VARIABLE FEATURES. Identifiers: Orphanet 261, MedGen C2751807, MONDO:0013071, OMIM 612998.
Autosomal recessive ataxia, Beauce type. Also called: SYNE1-Related Autosomal Recessive Cerebellar Ataxia; Spinocerebellar ataxia, autosomal recessive 8; ATAXIA, RECESSIVE, OF BEAUCE; SYNE1 Deficiency. Identifiers: Orphanet 88644, MedGen C1853116, MONDO:0012549, OMIM 610743.

Allele frequency attached by ClinVar (database versions not stated): gnomAD 0.00001 and 0.00003; TOPMed 0.00002; gnomAD exomes 0.00004 and 0.00009; ExAC 0.00006; 1000 Genomes Project 30x 0.00016; 1000 Genomes Project 0.00020.
gnomAD v4.1: 61 of 1,613,432 alleles (0.0038%); highest among the groups gnomAD compares: East Asian, 0.13%; no homozygotes.

Submissions (2):

Revvity Omics, Revvity
Classification: Uncertain significance. Last evaluated: 2023-02-07. Review status: criteria provided, single submitter. Criteria: ACMG Guidelines, 2015. Collection method: clinical testing. Allele origin: germline.

Labcorp Genetics (formerly Invitae), Labcorp
Classification: Uncertain significance for Emery-Dreifuss muscular dystrophy 4, autosomal dominant; Autosomal recessive ataxia, Beauce type. Last evaluated: 2022-06-13. Review status: criteria provided, single submitter. Criteria: Invitae Variant Classification Sherloc (09022015). Collection method: clinical testing. Allele origin: germline.
Comment: In summary, the available evidence is currently insufficient to determine the role of this variant in disease. Therefore, it has been classified as a Variant of Uncertain Significance. Algorithms developed to predict the effect of missense changes on protein structure and function are either unavailable or do not agree on the potential impact of this missense change (SIFT: "Deleterious"; PolyPhen-2: "Possibly Damaging"; Align-GVGD: "Class C0"). ClinVar contains an entry for this variant (Variation ID: 579339). This variant has not been reported in the literature in individuals affected with SYNE1-related conditions. This variant is present in population databases (rs200140440, gnomAD 0.06%). This sequence change replaces alanine, which is neutral and non-polar, with threonine, which is neutral and polar, at codon 4206 of the SYNE1 protein (p.Ala4206Thr).